The following is an entry in ClinVar:

NM_007294.4(BRCA1):c.4214del (p.Ile1405fs)

Gene: BRCA1 (BRCA1 DNA repair associated; minus strand). Cytogenetic location: 17q21.31.
Variant type: Deletion.
Coding change: c.4214del on transcript NM_007294.4 (MANE Select); coding-DNA position 4214, one base deleted (T; older notation c.4214delT).
Protein change: p.Ile1405fs; shifts the reading frame from isoleucine 1405.
Molecular consequence: frameshift variant. On other transcripts: non-coding transcript variant (1).
Genome position (GRCh38, 1-based): chr17:43,082,547, A deleted on the plus strand (T on the coding strand, the reverse complement: BRCA1 is on the minus strand). VCF-style (leftmost placement, unchanged base first): chr17-43082546-TA-T. GRCh37 (hg19) VCF-style: chr17-41234563-TA-T.
Other names: 4333delT; c.4214delT (NM_007294.4); c.4001delT, p.Ile1334Lysfs (NM_001407571.1, NM_001407853.1, NM_001407894.1 and 12 more transcripts); c.4214delT, p.Ile1405Lysfs (NM_001407581.1, NM_001407582.1, NM_001407583.1 and 22 more transcripts); c.4211delT, p.Ile1404Lysfs (NM_001407587.1, NM_001407590.1, NM_001407591.1 and 21 more transcripts); c.4208delT, p.Ile1403Lysfs (NM_001407627.1, NM_001407628.1, NM_001407629.1 and 5 more transcripts); c.4202delT, p.Ile1401Lysfs (NM_001407646.1, NM_001407647.1); c.4091delT, p.Ile1364Lysfs (NM_001407648.1, NM_001407664.1, NM_001407665.1 and 13 more transcripts); and 56 more; short protein forms I1405fs, I302fs, I1358fs.
Identifiers: ClinVar variation 125698 (VCV000125698.5), dbSNP rs273900728, ClinGen allele CA002715.

ClinVar aggregate classification (germline): Pathogenic. Review status: reviewed by expert panel (3 of 4 stars). 4 submissions from 4 submitters: Pathogenic (1). 3 of the submissions do not count toward it. Last evaluated 2016-09-08.

Conditions:
Breast and/or ovarian cancer. Identifiers: MedGen CN221562.
Breast-ovarian cancer, familial, susceptibility to, 1 (BROVCA1). Also called: BRCA1 Hereditary Breast and Ovarian Cancer; OVARIAN CANCER, SUSCEPTIBILITY TO. Identifiers: Orphanet 145, MedGen C2676676, MONDO:0011450, OMIM 604370. Disease mechanism: loss of function.

Submissions (4):

Evidence-based Network for the Interpretation of Germline Mutant Alleles (ENIGMA)
Classification: Pathogenic for Breast-ovarian cancer, familial, susceptibility to, 1. Last evaluated: 2016-09-08. Review status: reviewed by expert panel. Criteria: ENIGMA BRCA1/2 Classification Criteria (2015). Collection method: curation. Allele origin: germline.
Comment: Variant allele predicted to encode a truncated non-functional protein.

Consortium of Investigators of Modifiers of BRCA1/2 (CIMBA), c/o University of Cambridge
Classification: Pathogenic for Breast-ovarian cancer, familial, susceptibility to, 1. Last evaluated: 2015-10-02. Review status: criteria provided, single submitter. Criteria: CIMBA Mutation Classification guidelines May 2016. Collection method: clinical testing. Allele origin: germline. Not counted in ClinVar's aggregate classification.

CZECANCA consortium
Classification: Pathogenic for Breast and/or ovarian cancer. Last evaluated: 2019-06-11. Review status: no assertion criteria provided. Collection method: clinical testing. Allele origin: germline. Affected: yes. Observed: 1 variant allele. Not counted in ClinVar's aggregate classification.

Breast Cancer Information Core (BIC) (BRCA1)
Classification: Pathogenic for Breast-ovarian cancer, familial 1. Last evaluated: 2009-04-28. Review status: no assertion criteria provided. Collection method: clinical testing. Allele origin: germline. Affected: yes. Observed: 1 variant allele. Not counted in ClinVar's aggregate classification.

Literature cited by the submitters: PubMed 32295079 (cited by CZECANCA consortium).